The following is an entry in ClinVar:

NM_000038.6(APC):c.2676A>G (p.Glu892=)

Gene: APC (APC regulator of Wnt signaling pathway; plus strand). Cytogenetic location: 5q22.2.
Variant type: single nucleotide variant.
Coding change: c.2676A>G on transcript NM_000038.6 (MANE Select); coding-DNA position 2676, A replaced by G.
Protein change: p.Glu892=; no amino-acid change (glutamic acid 892 retained).
Molecular consequence: synonymous variant.
Genome position (GRCh38, 1-based): chr5:112,838,270, A>G. VCF-style: chr5-112838270-A-G. GRCh37 (hg19) VCF-style: chr5-112173967-A-G.
Other names: c.2676A>G, p.Glu892= (NM_001127510.3, NM_001354895.2); c.2622A>G, p.Glu874= (NM_001127511.3); c.2730A>G, p.Glu910= (NM_001354896.2); c.2706A>G, p.Glu902= (NM_001354897.2); c.2601A>G, p.Glu867= (NM_001354898.2); c.2592A>G, p.Glu864= (NM_001354899.2); c.2553A>G, p.Glu851= (NM_001354900.2); c.2499A>G, p.Glu833= (NM_001354901.2); and 5 more.
Identifiers: ClinVar variation 821659 (VCV000821659.54), dbSNP rs1580625658, ClinGen allele CA445962998.

ClinVar aggregate classification (germline): Benign/Likely benign. Review status: criteria provided, multiple submitters, no conflicts (2 of 4 stars). 4 submissions from 4 submitters: Benign (1); Likely benign (3). Last evaluated 2025-12-28.

Conditions:
Familial adenomatous polyposis 1 (FAP1). Also called: FAMILIAL ADENOMATOUS POLYPOSIS 1, ATTENUATED; POLYPOSIS, ADENOMATOUS INTESTINAL. Identifiers: MedGen C2713442, MONDO:0021056, OMIM 175100. Disease mechanism: loss of function.
Hereditary cancer-predisposing syndrome. Also called: Tumor predisposition; Hereditary Cancer Syndrome; Neoplastic Syndromes, Hereditary; Hereditary neoplastic syndrome. Identifiers: Orphanet 140162, MedGen C0027672, MeSH D009386, MONDO:0015356.

Allele frequency attached by ClinVar (database versions not stated): gnomAD exomes below 0.00001.
gnomAD v4.1: 1 of 1,614,238 alleles (0.000062%); no homozygotes.

Submissions (4):

Labcorp Genetics (formerly Invitae), Labcorp
Classification: Likely benign for Familial adenomatous polyposis 1. Last evaluated: 2025-12-28. Review status: criteria provided, single submitter. Criteria: Invitae Variant Classification Sherloc (09022015). Collection method: clinical testing. Allele origin: germline.

Myriad Genetics, Inc.
Classification: Benign for Familial adenomatous polyposis 1. Last evaluated: 2024-03-15. Review status: criteria provided, single submitter. Criteria: Myriad Autosomal Dominant, Autosomal Recessive and X-Linked Classification Criteria (2023). Collection method: clinical testing. Allele origin: unknown.
Comment: This variant is considered benign. This variant is a silent/synonymous amino acid change and it is not expected to impact splicing.

Color Diagnostics, LLC DBA Color Health
Classification: Likely benign for Hereditary cancer-predisposing syndrome. Last evaluated: 2021-10-05. Review status: criteria provided, single submitter. Criteria: ACMG Guidelines, 2015. Collection method: clinical testing. Allele origin: germline.

Ambry Genetics
Classification: Likely benign for Hereditary cancer-predisposing syndrome. Last evaluated: 2019-09-04. Review status: criteria provided, single submitter. Criteria: Ambry Variant Classification Scheme 2023. Collection method: clinical testing. Allele origin: germline.